The following is an entry in ClinVar:

ClinVar aggregate classification (germline): Uncertain significance. Review status: criteria provided, multiple submitters, no conflicts (2 of 4 stars). 2 submissions from 2 submitters: Uncertain significance (2). Last evaluated 2022-12-05.

Conditions:
Multiple endocrine neoplasia type 4. Also called: MULTIPLE ENDOCRINE NEOPLASIA, TYPE IV. Identifiers: Orphanet 276152, MedGen C1970712, MONDO:0012552, OMIM 610755.
Hereditary cancer-predisposing syndrome. Also called: Neoplastic Syndromes, Hereditary; Hereditary Cancer Syndrome; Tumor predisposition; Hereditary neoplastic syndrome. Identifiers: Orphanet 140162, MedGen C0027672, MeSH D009386, MONDO:0015356.

Submissions (2):

Ambry Genetics
Classification: Uncertain significance for Hereditary cancer-predisposing syndrome. Last evaluated: 2022-12-05. Review status: criteria provided, single submitter. Criteria: Ambry Variant Classification Scheme 2023. Collection method: clinical testing. Allele origin: germline.
Comment: The p.D37G variant (also known as c.110A>G), located in coding exon 1 of the CDKN1B gene, results from an A to G substitution at nucleotide position 110. The aspartic acid at codon 37 is replaced by glycine, an amino acid with similar properties. This amino acid position is conserved. In addition, the in silico prediction for this alteration is inconclusive. Since supporting evidence is limited at this time, the clinical significance of this alteration remains unclear.

Labcorp Genetics (formerly Invitae), Labcorp
Classification: Uncertain significance for Multiple endocrine neoplasia type 4. Last evaluated: 2022-05-31. Review status: criteria provided, single submitter. Criteria: Invitae Variant Classification Sherloc (09022015). Collection method: clinical testing. Allele origin: germline.
Comment: This sequence change replaces aspartic acid, which is acidic and polar, with glycine, which is neutral and non-polar, at codon 37 of the CDKN1B protein (p.Asp37Gly). This variant is not present in population databases (gnomAD no frequency). This variant has not been reported in the literature in individuals affected with CDKN1B-related conditions. Algorithms developed to predict the effect of missense changes on protein structure and function are either unavailable or do not agree on the potential impact of this missense change (SIFT: "Deleterious"; PolyPhen-2: "Benign"; Align-GVGD: "Class C35"). In summary, the available evidence is currently insufficient to determine the role of this variant in disease. Therefore, it has been classified as a Variant of Uncertain Significance.

NM_004064.5(CDKN1B):c.110A>G (p.Asp37Gly)

Gene: CDKN1B (cyclin dependent kinase inhibitor 1B; plus strand). Cytogenetic location: 12p13.1.
Variant type: single nucleotide variant.
Coding change: c.110A>G on transcript NM_004064.5 (MANE Select); coding-DNA position 110, A replaced by G.
Protein change: p.Asp37Gly; replaces aspartic acid 37 with glycine.
Molecular consequence: missense variant.
Genome position (GRCh38, 1-based): chr12:12,717,949, A>G. VCF-style: chr12-12717949-A-G. GRCh37 (hg19) VCF-style: chr12-12870883-A-G.
Other names: c.110A>G (NM_004064.3); short protein forms D37G.
Identifiers: ClinVar variation 2024504 (VCV002024504.6), dbSNP rs2497404091, ClinGen allele CA383968675.
Genomic context (GRCh38, chr12:12,717,949, plus strand): 5'-ACGCCAGGCAGGCGGAGCACCCCAAGCCCTCGGCCTGCAGGAACCTCTTCGGCCCGGTGG[A>G]CCACGAAGAGTTAACCCGGGACTTGGAGAAGCACTGCAGAGACATGGAAGAGGCGAGCCA-3'
Protein context (NP_004055.1, residues 27-47): SACRNLFGPV[Asp37Gly]HEELTRDLEK